The following is an entry in ClinVar:

ClinVar aggregate classification (germline): Uncertain significance (1 of 4 stars; one submission).

Submission:

Labcorp Genetics (formerly Invitae), Labcorp
Classification: Uncertain significance. Last evaluated: 2024-06-26. Review status: criteria provided, single submitter. Criteria: Invitae Variant Classification Sherloc (09022015). Collection method: clinical testing. Allele origin: germline.
Comment: This sequence change replaces aspartic acid, which is acidic and polar, with asparagine, which is neutral and polar, at codon 1900 of the FAT2 protein (p.Asp1900Asn). This variant is not present in population databases (gnomAD no frequency). This variant has not been reported in the literature in individuals affected with FAT2-related conditions. Advanced modeling of protein sequence and biophysical properties (such as structural, functional, and spatial information, amino acid conservation, physicochemical variation, residue mobility, and thermodynamic stability) has been performed at Invitae for this missense variant, however the output from this modeling did not meet the statistical confidence thresholds required to predict the impact of this variant on FAT2 protein function. In summary, the available evidence is currently insufficient to determine the role of this variant in disease. Therefore, it has been classified as a Variant of Uncertain Significance.

NM_001447.3(FAT2):c.5698G>A (p.Asp1900Asn)

Genes: FAT2 (FAT atypical cadherin 2; minus strand), SLC36A1 (solute carrier family 36 member 1; plus strand). Cytogenetic location: 5q33.1.
Variant type: single nucleotide variant.
Coding change: c.5698G>A on transcript NM_001447.3 (MANE Select); coding-DNA position 5698, G replaced by A.
Protein change: p.Asp1900Asn; replaces aspartic acid 1900 with asparagine.
Molecular consequence: missense variant.
Genome position (GRCh38, 1-based): chr5:151,545,429, C>T on the plus strand (G>A on the coding strand, the complement: FAT2 is on the minus strand). VCF-style: chr5-151545429-C-T. GRCh37 (hg19) VCF-style: chr5-150924990-C-T.
Other names: short protein forms D1900N.
Identifiers: ClinVar variation 3611543 (VCV003611543.2).